The following is an entry in ClinVar:

ClinVar aggregate classification (germline): Uncertain significance (1 of 4 stars; one submission).

Submission:

GeneDx
Classification: Uncertain significance. Last evaluated: 2023-09-01. Review status: criteria provided, single submitter. Criteria: GeneDx Variant Classification Process June 2021. Collection method: clinical testing. Allele origin: germline.
Comment: Not observed at significant frequency in large population cohorts (gnomAD); In silico analysis supports that this missense variant has a deleterious effect on protein structure/function; Has not been previously published as pathogenic or benign to our knowledge

NM_002911.4(UPF1):c.1435G>T (p.Val479Leu)

Gene: UPF1 (UPF1 RNA helicase and ATPase; plus strand). Cytogenetic location: 19p13.11.
Variant type: single nucleotide variant.
Coding change: c.1435G>T on transcript NM_002911.4 (MANE Select); coding-DNA position 1435, G replaced by T.
Protein change: p.Val479Leu; replaces valine 479 with leucine.
Molecular consequence: missense variant.
Genome position (GRCh38, 1-based): chr19:18,855,133, G>T. VCF-style: chr19-18855133-G-T. GRCh37 (hg19) VCF-style: chr19-18965942-G-T.
Other names: c.1468G>T, p.Val490Leu (NM_001297549.2); short protein forms V479L, V490L.
Identifiers: ClinVar variation 2504845 (VCV002504845.2), dbSNP rs1309527755, ClinGen allele CA404879254.